The following is an entry in ClinVar:

NM_001164508.2(NEB):c.1782+5G>A

Gene: NEB (nebulin; minus strand). Cytogenetic location: 2q23.3.
Variant type: single nucleotide variant.
Coding change: c.1782+5G>A on transcript NM_001164508.2 (MANE Select); 5 bases into the intron after coding-DNA position 1782, G replaced by A.
Molecular consequence: intron variant.
Genome position (GRCh38, 1-based): chr2:151,694,517, C>T on the plus strand (G>A on the coding strand, the complement: NEB is on the minus strand). VCF-style: chr2-151694517-C-T. GRCh37 (hg19) VCF-style: chr2-152551031-C-T.
Other names: c.1782+5G>A (NM_004543.5, NM_001164507.2, NM_001271208.2).
Identifiers: ClinVar variation 2116457 (VCV002116457.4), dbSNP rs2552268619, ClinGen allele CA2580064031.

ClinVar aggregate classification (germline): Uncertain significance (1 of 4 stars; one submission).

Conditions:
Nemaline myopathy 2 (NEM2). Also called: Nemaline myopathy 2, autosomal recessive. Identifiers: MedGen C1850569, MONDO:0009725, OMIM 256030.

Submission:

Labcorp Genetics (formerly Invitae), Labcorp
Classification: Uncertain significance for Nemaline myopathy 2. Last evaluated: 2023-10-03. Review status: criteria provided, single submitter. Criteria: Invitae Variant Classification Sherloc (09022015). Collection method: clinical testing. Allele origin: germline.
Comment: This sequence change falls in intron 19 of the NEB gene. It does not directly change the encoded amino acid sequence of the NEB protein. It affects a nucleotide within the consensus splice site. This variant is not present in population databases (gnomAD no frequency). This variant has not been reported in the literature in individuals affected with NEB-related conditions. ClinVar contains an entry for this variant (Variation ID: 2116457). Variants that disrupt the consensus splice site are a relatively common cause of aberrant splicing (PMID: 17576681, 9536098). Algorithms developed to predict the effect of sequence changes on RNA splicing suggest that this variant may disrupt the consensus splice site. In summary, the available evidence is currently insufficient to determine the role of this variant in disease. Therefore, it has been classified as a Variant of Uncertain Significance.

Literature cited by the submitters: PubMed 17576681; PubMed 9536098.